The following is an entry in ClinVar:

ClinVar aggregate classification (germline): Uncertain significance (1 of 4 stars; one submission).

Submission:

Labcorp Genetics (formerly Invitae), Labcorp
Classification: Uncertain significance. Last evaluated: 2026-01-18. Review status: criteria provided, single submitter. Criteria: Invitae Variant Classification Sherloc (09022015). Collection method: clinical testing. Allele origin: germline.
Comment: This sequence change creates a premature translational stop signal (p.Thr1472Serfs*5) in the MYH7B gene. It is expected to result in an absent or disrupted protein product. However, the current clinical and genetic evidence is not sufficient to establish whether loss-of-function variants in MYH7B cause disease. This variant is present in population databases (rs775970902, gnomAD 0.03%). This variant has not been reported in the literature in individuals affected with MYH7B-related conditions. In summary, the available evidence is currently insufficient to determine the role of this variant in disease. Therefore, it has been classified as a Variant of Uncertain Significance.

NM_020884.7(MYH7B):c.4289_4292del (p.Thr1430fs)

Gene: MYH7B (myosin heavy chain 7B; plus strand). Cytogenetic location: 20q11.22.
Variant type: Microsatellite.
Coding change: c.4289_4292del on transcript NM_020884.7 (MANE Select); coding-DNA positions 4289 to 4292, 4 bases deleted (CAGA; older notation c.4289_4292delCAGA).
Protein change: p.Thr1430fs; shifts the reading frame from threonine 1430.
Molecular consequence: frameshift variant.
Genome position (GRCh38, 1-based): chr20:34,999,154-34,999,157, CAGA deleted; deleting any 4 consecutive bases within chr20:34,999,149-34,999,157 gives the same sequence; the c. name uses the placement nearest the transcript's 3' end. VCF-style (leftmost placement, unchanged base first): chr20-34999148-TACAG-T. GRCh37 (hg19) VCF-style: chr20-33586951-TACAG-T.
Other names: short protein forms T1430fs.
Identifiers: ClinVar variation 2054618 (VCV002054618.4), dbSNP rs775970902, ClinGen allele CA9828062.